The following is an entry in ClinVar:

NM_001761.3(CCNF):c.750C>T (p.Tyr250=)

Gene: CCNF (cyclin F; plus strand). Cytogenetic location: 16p13.3.
Variant type: single nucleotide variant.
Coding change: c.750C>T on transcript NM_001761.3 (MANE Select); coding-DNA position 750, C replaced by T.
Protein change: p.Tyr250=; no amino-acid change (tyrosine 250 retained).
Molecular consequence: synonymous variant. On other transcripts: 5 prime UTR variant (1).
Genome position (GRCh38, 1-based): chr16:2,439,799, C>T. VCF-style: chr16-2439799-C-T. GRCh37 (hg19) VCF-style: chr16-2489800-C-T.
Other names: c.-175C>T (NM_001323538.2).
Identifiers: ClinVar variation 3352136 (VCV003352136.1).

ClinVar aggregate classification (germline): Likely benign (0 of 4 stars; one submission).

Conditions:
CCNF-related disorder. Also called: CCNF-related condition.

gnomAD v4.1: 41 of 1,614,094 alleles (0.0025%); highest among the groups gnomAD compares: South Asian, 0.0066%; 1 homozygote.

Submission:

PreventionGenetics, part of Exact Sciences
Classification: Likely benign for CCNF-related condition. Last evaluated: 2019-06-19. Review status: no assertion criteria provided. Collection method: clinical testing. Allele origin: germline.
Comment: This variant is classified as likely benign based on ACMG/AMP sequence variant interpretation guidelines (Richards et al. 2015 PMID: 25741868, with internal and published modifications).